The following is an entry in ClinVar:

ClinVar aggregate classification (germline): Conflicting classifications of pathogenicity. Review status: criteria provided, conflicting classifications (1 of 4 stars). 9 submissions from 9 submitters: Uncertain significance (2); Likely benign (6). 1 of the submissions does not count toward it. Last evaluated 2026-01-22.

Conditions:
Inborn genetic diseases. Identifiers: MedGen C0950123, MeSH D030342.
Charcot-Marie-Tooth disease. Also called: Charcot-Marie-Tooth Hereditary Neuropathy; Charcot-Marie-Tooth Neuropathy. Identifiers: Orphanet 166, MedGen C0007959, MONDO:0015626.
Autosomal recessive distal spinal muscular atrophy 1. Also called: Spinal muscular atrophy with respiratory distress 1; NEURONOPATHY, DISTAL HEREDITARY MOTOR, HARDING TYPE VI; NEUROPATHY, DISTAL HEREDITARY MOTOR, AUTOSOMAL RECESSIVE 1; NEURONOPATHY, SEVERE INFANTILE AXONAL, WITH RESPIRATORY FAILURE; SEVERE INFANTILE AXONAL NEUROPATHY WITH RESPIRATORY FAILURE; SPINAL MUSCULAR ATROPHY, DIAPHRAGMATIC. Identifiers: Orphanet 98920, MedGen C1858517, MONDO:0011436, OMIM 604320.
IGHMBP2-related disorder. Also called: IGHMBP2-related condition; IGHMBP2-related disorders.
Charcot-Marie-Tooth disease axonal type 2S. Also called: CHARCOT-MARIE-TOOTH NEUROPATHY, TYPE 2S; CHARCOT-MARIE-TOOTH DISEASE, AXONAL, AUTOSOMAL RECESSIVE, TYPE 2S. Identifiers: Orphanet 443073, MedGen C4015349, MONDO:0014511, OMIM 616155.

Allele frequency attached by ClinVar (database versions not stated): gnomAD exomes 0.00026 and 0.00073; ExAC 0.00093; 1000 Genomes Project 0.00140; 1000 Genomes Project 30x 0.00141; gnomAD 0.00214 and 0.00231; ESP Exome Variant Server 0.00262; TOPMed 0.00267.
gnomAD v4.1: 733 of 1,612,280 alleles (0.045%); highest among the groups gnomAD compares: African/African-American, 0.73%; 2 homozygotes.

Submissions (9):

Labcorp Genetics (formerly Invitae), Labcorp
Classification: Likely benign for Autosomal recessive distal spinal muscular atrophy 1; Charcot-Marie-Tooth disease axonal type 2S. Last evaluated: 2026-01-22. Review status: criteria provided, single submitter. Criteria: Invitae Variant Classification Sherloc (09022015). Collection method: clinical testing. Allele origin: germline.

ARUP Laboratories, Molecular Genetics and Genomics, ARUP Laboratories
Classification: Uncertain significance. Last evaluated: 2025-07-18. Review status: criteria provided, single submitter. Criteria: ARUP Molecular Germline Variant Investigation Process 2024. Collection method: clinical testing. Allele origin: germline.
Comment: The IGHMBP2 c.1064C>T; p.Ala355Val variant (rs142062146, ClinVar Variation ID: 466572), to our knowledge, is not reported in an individual with neuronopathy or CMT but is reported in the literature in the homozygous state in an individual who was affected with schizophrenia/schizoaffective disorder; however, the contribution of this variant to the phenotype is not known (Need 2012). This variant is found in the African population with an allele frequency of 0.76% (189/24948 alleles) in the Genome Aggregation Database (v2.1.1). Computational analyses are uncertain whether this variant is neutral or deleterious (REVEL: 0.585). While the high population frequency suggests that this is likely a benign variant, given the lack of clinical and functional data, the significance of this variant is uncertain at this time. References: Need et al. Exome sequencing followed by large-scale genotyping suggests a limited role for moderately rare risk factors of strong effect in schizophrenia. Am J Hum Genet. 2012 Aug 10;91(2):303-12. PMID: 22863191.

CeGaT Center for Human Genetics Tuebingen
Classification: Likely benign. Last evaluated: 2022-06-01. Review status: criteria provided, single submitter. Criteria: CeGaT Center For Human Genetics Tuebingen Variant Classification Criteria Version 2. Collection method: clinical testing. Allele origin: germline. Affected: yes. Observed: 2 variant alleles.
Comment: IGHMBP2: BS2

GeneDx
Classification: Likely benign. Last evaluated: 2021-02-22. Review status: criteria provided, single submitter. Criteria: GeneDx Variant Classification Process June 2021. Collection method: clinical testing. Allele origin: germline. Affected: yes.

Ambry Genetics
Classification: Likely benign for Inborn genetic diseases. Last evaluated: 2019-11-27. Review status: criteria provided, single submitter. Criteria: Ambry Variant Classification Scheme 2023. Collection method: clinical testing. Allele origin: germline.

Illumina Laboratory Services, Illumina
Classification: Likely benign for Autosomal recessive distal spinal muscular atrophy 1. Last evaluated: 2018-01-13. Review status: criteria provided, single submitter. Criteria: ICSL Variant Classification Criteria 13 December 2019. Collection method: clinical testing. Allele origin: germline.
Comment: This variant was observed in the ICSL laboratory as part of a predisposition screen in an ostensibly healthy population. It had not been previously curated by ICSL or reported in the Human Gene Mutation Database (HGMD: prior to June 1st, 2018), and was therefore a candidate for classification through an automated scoring system. Utilizing variant allele frequency, disease prevalence and penetrance estimates, and inheritance mode, an automated score was calculated to assess if this variant is too frequent to cause the disease. Based on the score and internal cut-off values, a variant classified as likely benign is not then subjected to further curation. The score for this variant resulted in a classification of likely benign for this disease.

Eurofins Ntd Llc (ga)
Classification: Uncertain significance. Last evaluated: 2017-01-26. Review status: criteria provided, single submitter. Criteria: EGL Classification Definitions 2015. Collection method: clinical testing. Allele origin: germline. Observed: 1 variant allele, 1 heterozygote.

Molecular Genetics Laboratory, London Health Sciences Centre
Classification: Likely benign for Charcot-Marie-Tooth disease. Review status: criteria provided, single submitter. Criteria: ACMG Guidelines, 2015. Collection method: clinical testing. Allele origin: germline. Affected: yes.

PreventionGenetics, part of Exact Sciences
Classification: Benign for IGHMBP2-related condition. Last evaluated: 2020-02-05. Review status: no assertion criteria provided. Collection method: clinical testing. Allele origin: germline. Not counted in ClinVar's aggregate classification.
Comment: This variant is classified as benign based on ACMG/AMP sequence variant interpretation guidelines (Richards et al. 2015 PMID: 25741868, with internal and published modifications).

NM_002180.3(IGHMBP2):c.1064C>T (p.Ala355Val)

Gene: IGHMBP2 (immunoglobulin mu DNA binding protein 2; plus strand). Cytogenetic location: 11q13.3.
Variant type: single nucleotide variant.
Coding change: c.1064C>T on transcript NM_002180.3 (MANE Select); coding-DNA position 1064, C replaced by T.
Protein change: p.Ala355Val; replaces alanine 355 with valine.
Molecular consequence: missense variant.
Genome position (GRCh38, 1-based): chr11:68,929,186, C>T. VCF-style: chr11-68929186-C-T. GRCh37 (hg19) VCF-style: chr11-68696654-C-T.
Other names: short protein forms A355V.
Identifiers: ClinVar variation 466572 (VCV000466572.71), dbSNP rs142062146, ClinGen allele CA6153513.